The following is an entry in ClinVar:

NM_001308093.3(GATA4):c.425G>T (p.Gly142Val)

Gene: GATA4 (GATA binding protein 4). Cytogenetic location: 8p23.1.
Variant type: single nucleotide variant.
Coding change: c.425G>T on transcript NM_001308093.3 (MANE Select); coding-DNA position 425, G replaced by T.
Protein change: p.Gly142Val; replaces glycine 142 with valine.
Molecular consequence: missense variant. On other transcripts: intron variant (3).
Genome position (GRCh38, 1-based): chr8:11,708,737, G>T. VCF-style: chr8-11708737-G-T. GRCh37 (hg19) VCF-style: chr8-11566246-G-T.
Other names: c.425G>T (NM_002052.3); c.425G>T, p.Gly142Val (NM_002052.5); c.-6+7959G>T (NM_001308094.2); c.-3+723G>T (NM_001374274.1); c.-3+4433G>T (NM_001374273.1); short protein forms G142V.
Identifiers: ClinVar variation 1473485 (VCV001473485.10), dbSNP rs1188215516, ClinGen allele CA370309596.
Genomic context (GRCh38, chr8:11,708,737, plus strand): 5'-CCGCTGCCGCGGCCCGGGAAGCTGCGGCCTACAGCAGTGGCGGCGGAGCGGCGGGTGCGG[G>T]CCTGGCGGGCCGCGAGCAGTACGGGCGCGCCGGCTTCGCGGGCTCCTACTCCAGCCCCTA-3'
Protein context (NP_001295022.1, residues 132-152): YSSGGGAAGA[Gly142Val]LAGREQYGRA

ClinVar aggregate classification (germline): Uncertain significance. Review status: criteria provided, multiple submitters, no conflicts (2 of 4 stars). 3 submissions from 3 submitters: Uncertain significance (3). Last evaluated 2024-08-25.

Conditions:
Atrioventricular septal defect 4 (AVSD4). Identifiers: MedGen C3280781, MONDO:0013747, OMIM 614430.
Cardiovascular phenotype. Identifiers: MedGen CN230736.

Allele frequency attached by ClinVar (database versions not stated): gnomAD 0.00002 and 0.00003; TOPMed 0.00002.
gnomAD v4.1: 9 of 1,317,560 alleles (0.00068%); highest among the groups gnomAD compares: East Asian, 0.016%; no homozygotes.

Submissions (3):

Ambry Genetics
Classification: Uncertain significance for Cardiovascular phenotype. Last evaluated: 2024-08-25. Review status: criteria provided, single submitter. Criteria: Ambry Variant Classification Scheme 2023. Collection method: clinical testing. Allele origin: germline.
Comment: The p.G142V variant (also known as c.425G>T), located in coding exon 1 of the GATA4 gene, results from a G to T substitution at nucleotide position 425. The glycine at codon 142 is replaced by valine, an amino acid with dissimilar properties. This amino acid position is conserved. In addition, the in silico prediction for this alteration is inconclusive. Based on the available evidence, the clinical significance of this variant remains unclear.

GeneDx
Classification: Uncertain significance. Last evaluated: 2024-01-25. Review status: criteria provided, single submitter. Criteria: GeneDx Variant Classification Process June 2021. Collection method: clinical testing. Allele origin: germline. Affected: yes.
Comment: Not observed at significant frequency in large population cohorts (gnomAD); In silico analysis supports that this missense variant does not alter protein structure/function; Has not been previously published as pathogenic or benign to our knowledge

Labcorp Genetics (formerly Invitae), Labcorp
Classification: Uncertain significance for Atrioventricular septal defect 4. Last evaluated: 2022-03-18. Review status: criteria provided, single submitter. Criteria: Invitae Variant Classification Sherloc (09022015). Collection method: clinical testing. Allele origin: germline.
Comment: This sequence change replaces glycine, which is neutral and non-polar, with valine, which is neutral and non-polar, at codon 142 of the GATA4 protein (p.Gly142Val). This variant is not present in population databases (gnomAD no frequency). This variant has not been reported in the literature in individuals affected with GATA4-related conditions. Algorithms developed to predict the effect of missense changes on protein structure and function (SIFT, PolyPhen-2, Align-GVGD) all suggest that this variant is likely to be tolerated. In summary, the available evidence is currently insufficient to determine the role of this variant in disease. Therefore, it has been classified as a Variant of Uncertain Significance.